The following is an entry in ClinVar:

ClinVar aggregate classification (germline): Likely pathogenic (1 of 4 stars; one submission).

Conditions:
Dilated cardiomyopathy 1CC (CMD1CC). Identifiers: Orphanet 154, MedGen C2751084, MONDO:0013147, OMIM 613122.

Submission:

Variantyx, Inc.
Classification: Likely pathogenic for Dilated cardiomyopathy 1CC. Last evaluated: 2025-05-20. Review status: criteria provided, single submitter. Criteria: Variantyx Assertion Criteria 2022. Collection method: clinical testing. Allele origin: germline. Inheritance: Autosomal dominant inheritance. Affected: yes.
Comment: This is a nonsense variant in the NEXN gene (OMIM: 613121). Pathogenic variants in this gene have been associated with autosomal dominant dilated cardiomyopathy 1CC. The alteration introduces a premature termination codon in exon 4 out of 13 and is expected to result in loss of function, which is a known disease mechanism for NEXN in this disorder (PMID:31983221, 38059363) (PVS1). This variant is absent from control populations (PM2) and it has not been reported in individuals with NEXN-related disorders in the databases available for review. Based on the current evidence, this variant is classified as likely pathogenic for autosomal dominant dilated cardiomyopathy 1CC.

Literature cited by the submitters: PubMed 31983221; PubMed 38059363.

NM_144573.4(NEXN):c.226G>T (p.Glu76Ter)

Gene: NEXN (nexilin F-actin binding protein; plus strand). Cytogenetic location: 1p31.1.
Variant type: single nucleotide variant.
Coding change: c.226G>T on transcript NM_144573.4 (MANE Select); coding-DNA position 226, G replaced by T.
Protein change: p.Glu76Ter; replaces glutamic acid 76 with a stop codon.
Molecular consequence: nonsense.
Genome position (GRCh38, 1-based): chr1:77,917,966, G>T. VCF-style: chr1-77917966-G-T. GRCh37 (hg19) VCF-style: chr1-78383651-G-T.
Other names: c.34G>T, p.Glu12Ter (NM_001172309.2); short protein forms E12*, E76*.
Identifiers: ClinVar variation 4813078 (VCV004813078.1).